The following is an entry in ClinVar:

ClinVar aggregate classification (germline): Uncertain significance (1 of 4 stars; one submission).

Submission:

Labcorp Genetics (formerly Invitae), Labcorp
Classification: Uncertain significance. Last evaluated: 2025-04-02. Review status: criteria provided, single submitter. Criteria: Invitae Variant Classification Sherloc (09022015). Collection method: clinical testing. Allele origin: germline.
Comment: This variant, c.2226_2228del, results in the deletion of 1 amino acid(s) of the TET2 protein (p.Gln746del), but otherwise preserves the integrity of the reading frame. This variant is not present in population databases (gnomAD no frequency). This variant has not been reported in the literature in individuals affected with TET2-related conditions. Experimental studies and prediction algorithms are not available or were not evaluated, and the functional significance of this variant is currently unknown. In summary, the available evidence is currently insufficient to determine the role of this variant in disease. Therefore, it has been classified as a Variant of Uncertain Significance.

NM_001127208.3(TET2):c.2226_2228del (p.Gln746del)

Genes: TET2 (tet methylcytosine dioxygenase 2; plus strand), TET2-AS1 (TET2 antisense RNA 1; minus strand). Cytogenetic location: 4q24.
Variant type: Deletion.
Coding change: c.2226_2228del on transcript NM_001127208.3 (MANE Select); coding-DNA positions 2226 to 2228, 3 bases deleted (GCA; older notation c.2226_2228delGCA).
Protein change: p.Gln746del; deletes glutamine 746.
Molecular consequence: inframe deletion.
Genome position (GRCh38, 1-based): chr4:105,236,168-105,236,170, GCA deleted; deleting any 3 consecutive bases within chr4:105,236,166-105,236,170 gives the same sequence; the c. name uses the placement nearest the transcript's 3' end. VCF-style (leftmost placement, unchanged base first): chr4-105236165-CCAG-C. GRCh37 (hg19) VCF-style: chr4-106157322-CCAG-C.
Other names: c.2226_2228del, p.Gln746del (NM_017628.4); short protein forms Q746del.
Identifiers: ClinVar variation 4716655 (VCV004716655.1).